The following is an entry in ClinVar:

ClinVar aggregate classification (germline): Pathogenic (1 of 4 stars; one submission).

Submission:

Labcorp Genetics (formerly Invitae), Labcorp
Classification: Pathogenic. Last evaluated: 2023-10-02. Review status: criteria provided, single submitter. Criteria: Invitae Variant Classification Sherloc (09022015). Collection method: clinical testing. Allele origin: unknown.
Comment: This variant results in the deletion of exons 1-3 and part of exon 4 (c.-13260_553del) of the GPX4 gene. It is expected to result in an absent or disrupted protein product. Loss-of-function variants in GPX4 are known to be pathogenic (PMID: 24706940). This variant has not been reported in the literature in individuals affected with GPX4-related conditions. For these reasons, this variant has been classified as Pathogenic.

Literature cited by the submitters: PubMed 24706940.

NC_000019.9:g.(?_1091474)_(1105774_?)del

Genes: GPX4 (glutathione peroxidase 4; plus strand), POLR2E (RNA polymerase II, I and III subunit E; minus strand). Cytogenetic location: 19p13.3.
Variant type: Deletion.
Identifiers: ClinVar variation 3242659 (VCV003242659.1).